The following is an entry in ClinVar:

ClinVar aggregate classification (germline): Pathogenic/Likely pathogenic. Review status: criteria provided, multiple submitters, no conflicts (2 of 4 stars). 7 submissions from 7 submitters: Pathogenic (4); Likely pathogenic (1). 2 of the submissions do not count toward it. Last evaluated 2026-01-27.

Conditions:
Autosomal recessive cutis laxa type 2B (ARCL2B). Also called: CUTIS LAXA, AUTOSOMAL RECESSIVE, TYPE IIB; CUTIS LAXA WITH PROGEROID FEATURES. Identifiers: Orphanet 357064, MedGen C2751987, MONDO:0013051, OMIM 612940. Disease mechanism: loss of function.
PYCR1-related de Barsy syndrome. Also called: CUTIS LAXA, AUTOSOMAL RECESSIVE, TYPE IIIB; DE BARSY SYNDROME B. Identifiers: Orphanet 293633, Orphanet 2962, MedGen C3280799, MONDO:0013755, OMIM 614438.
Wiedemann-Rautenstrauch-like progeroid syndrome.
Cutis laxa. Identifiers: Orphanet 209, MedGen C0010495, MONDO:0016175, HP:0000973.
PYCR1-related disorder. Also called: PYCR1-related condition.
Inborn genetic diseases. Identifiers: MedGen C0950123, MeSH D030342.

Allele frequency attached by ClinVar (database versions not stated): gnomAD exomes 0.00003; TOPMed 0.00005; gnomAD 0.00007 and 0.00008; ESP Exome Variant Server 0.00008; ExAC 0.00009.

Submissions (7):

Labcorp Genetics (formerly Invitae), Labcorp
Classification: Pathogenic. Last evaluated: 2026-01-27. Review status: criteria provided, single submitter. Criteria: Invitae Variant Classification Sherloc (09022015). Collection method: clinical testing. Allele origin: germline.
Comment: This sequence change affects a donor splice site in intron 5 of the PYCR1 gene. It is expected to disrupt RNA splicing. Variants that disrupt the donor or acceptor splice site typically lead to a loss of protein function (PMID: 16199547), and loss-of-function variants in PYCR1 are known to be pathogenic (PMID: 19648921). This variant is present in population databases (rs144346996, gnomAD 0.005%). Disruption of this splice site has been observed in individual(s) with Cutis laxa (PMID: 19648921, 30450527). In at least one individual the data is consistent with being in trans (on the opposite chromosome) from a pathogenic variant. ClinVar contains an entry for this variant (Variation ID: 325904). Algorithms developed to predict the effect of sequence changes on RNA splicing suggest that this variant may disrupt the consensus splice site. For these reasons, this variant has been classified as Pathogenic.

Fulgent Genetics
Classification: Pathogenic for Autosomal recessive cutis laxa type 2B; PYCR1-related de Barsy syndrome. Last evaluated: 2024-05-08. Review status: criteria provided, single submitter. Criteria: ACMG Guidelines, 2015. Collection method: clinical testing. Allele origin: germline.

GeneDx
Classification: Pathogenic. Last evaluated: 2023-11-01. Review status: criteria provided, single submitter. Criteria: GeneDx Variant Classification Process June 2021. Collection method: clinical testing. Allele origin: germline. Affected: yes.
Comment: Canonical splice site variant predicted to result in an in-frame loss of the adjacent exon in a gene for which loss of function is a known mechanism of disease; Not observed at significant frequency in large population cohorts (gnomAD); This variant is associated with the following publications: (PMID: 25525159, 30450527, 19648921)

Illumina Laboratory Services, Illumina
Classification: Likely pathogenic for Cutis laxa. Last evaluated: 2017-04-27. Review status: criteria provided, single submitter. Criteria: ICSL Variant Classification Criteria 09 May 2019. Collection method: clinical testing. Allele origin: germline.
Comment: The PYCR1 c.633+1G>C variant occurs in a canonical splice site (donor) and is reported in one study in two unrelated individuals with cutis laxa, including one in a homozygous state and one in a compound heterozygous state (Reversade et al. 2012). The c.633+1G>C variant is reported at a frequency of 0.000048 in the European (non-Finnish) population of the Genome Aggregation Database. Based on the evidence and the potential impact of splice donor variants, the c.633+1G>C variant is classified as likely pathogenic for cutis laxa, recessive. This variant was observed by ICSL as part of a predisposition screen in an ostensibly healthy population.

Ambry Genetics
Classification: Pathogenic for Inborn genetic diseases. Last evaluated: 2016-10-26. Review status: criteria provided, single submitter. Criteria: Ambry exome assertion method (8-5-2015). Collection method: clinical testing. Allele origin: germline. Affected: yes. Observed: 1 variant allele.

PreventionGenetics, part of Exact Sciences
Classification: Pathogenic for PYCR1-related condition. Last evaluated: 2024-09-10. Review status: no assertion criteria provided. Collection method: clinical testing. Allele origin: germline. Not counted in ClinVar's aggregate classification.
Comment: The PYCR1 c.633+1G>C variant is predicted to disrupt the GT donor site and interfere with normal splicing. This variant has been reported in the homozygous and compound heterozygous state in individuals with cutis laxa (Reversade et al. 2009. PubMed ID: 19648921); as well as, in an individual with segmental progeroid syndrome (Lessel et al. 2018. PubMed ID: 30450527). This variant is predicted to disrupt the consensus GT donor site in PYCR1 by available splicing prediction programs (SpliceAI, Jaganathan et al. 2019. PubMed ID: 30661751). This variant is reported in 0.0072% of alleles in individuals of Latino descent in gnomAD. Variants that disrupt the consensus splice donor site in PYCR1 are expected to be pathogenic. This variant is interpreted as pathogenic.

University of Washington Center for Mendelian Genomics, University of Washington
Classification: Likely pathogenic for Wiedemann-Rautenstrauch-like progeroid syndrome. Review status: no assertion criteria provided. Collection method: research. Allele origin: inherited. Affected: yes. Not counted in ClinVar's aggregate classification.

Literature cited by the submitters: PubMed 16199547 (cited by Labcorp Genetics (formerly Invitae), Labcorp); PubMed 19648921 (cited by Labcorp Genetics (formerly Invitae), Labcorp and Illumina Laboratory Services, Illumina); PubMed 30450527 (cited by Labcorp Genetics (formerly Invitae), Labcorp and University of Washington Center for Mendelian Genomics, University of Washington).

NM_006907.4(PYCR1):c.633+1G>C

Gene: PYCR1 (pyrroline-5-carboxylate reductase 1; minus strand). Cytogenetic location: 17q25.3.
Variant type: single nucleotide variant.
Coding change: c.633+1G>C on transcript NM_006907.4 (MANE Select); the canonical splice donor site of the intron after coding-DNA position 633, G replaced by C.
Molecular consequence: splice donor variant. On other transcripts: intron variant (1).
Genome position (GRCh38, 1-based): chr17:81,934,652, C>G on the plus strand (G>C on the coding strand, the complement: PYCR1 is on the minus strand). VCF-style: chr17-81934652-C-G. GRCh37 (hg19) VCF-style: chr17-79892528-C-G.
Other names: c.633+1G>C (NM_006907.3, NM_001330523.2, NM_001282280.2 and 1 more transcripts); c.541-163G>C (NM_001282279.2); c.714+1G>C (NM_001282281.2).
Identifiers: ClinVar variation 325904 (VCV000325904.20), dbSNP rs144346996, ClinGen allele CA8845370.